The following is an entry in ClinVar:

ClinVar aggregate classification (germline): Likely pathogenic. Review status: no assertion criteria provided (0 of 4 stars). 3 submissions from 3 submitters: Likely pathogenic (2). 1 of the submissions does not count toward it.

Conditions:
Familial long QT syndrome (RWS). Also called: Congenital long QT syndrome; Romano-Ward syndrome; VENTRICULAR FIBRILLATION WITH PROLONGED QT INTERVAL. Identifiers: Orphanet 768, MedGen C1141890, MONDO:0019171.

Submissions (3):

Cardiovascular Biomedical Research Unit, Royal Brompton & Harefield NHS Foundation Trust
No classification provided. Condition: Familial long QT syndrome. Review status: no classification provided. Collection method: literature only. Allele origin: germline. Not counted in ClinVar's aggregate classification.
Comment: This variant has been reported as associated with Long QT syndrome in the following publications (PMID:12402336;PMID:12566525;PMID:19841300). This is a literature report, and does not necessarily reflect the clinical interpretation of the Imperial College / Royal Brompton Cardiovascular Genetics laboratory.

Genome Diagnostics Laboratory, University Medical Center Utrecht
Classification: Likely pathogenic. Review status: no assertion criteria provided. Collection method: clinical testing. Allele origin: germline. Affected: yes. Study: VKGL Data-share Consensus.

Joint Genome Diagnostic Labs from Nijmegen and Maastricht, Radboudumc and MUMC+
Classification: Likely pathogenic. Review status: no assertion criteria provided. Collection method: clinical testing. Allele origin: germline. Affected: yes. Study: VKGL Data-share Consensus.

Literature cited by the submitters: PubMed 12402336 (cited by Cardiovascular Biomedical Research Unit, Royal Brompton & Harefield NHS Foundation Trust); PubMed 12566525 (cited by Cardiovascular Biomedical Research Unit, Royal Brompton & Harefield NHS Foundation Trust); PubMed 19841300 (cited by Cardiovascular Biomedical Research Unit, Royal Brompton & Harefield NHS Foundation Trust); PubMed 22581653 (cited by Cardiovascular Biomedical Research Unit, Royal Brompton & Harefield NHS Foundation Trust).

NM_000238.4(KCNH2):c.260T>C (p.Leu87Pro)

Gene: KCNH2 (potassium voltage-gated channel subfamily H member 2; minus strand). Cytogenetic location: 7q36.1.
Variant type: single nucleotide variant.
Coding change: c.260T>C on transcript NM_000238.4 (MANE Select); coding-DNA position 260, T replaced by C.
Protein change: p.Leu87Pro; replaces leucine 87 with proline.
Molecular consequence: missense variant.
Genome position (GRCh38, 1-based): chr7:150,974,758, A>G on the plus strand (T>C on the coding strand, the complement: KCNH2 is on the minus strand). VCF-style: chr7-150974758-A-G. GRCh37 (hg19) VCF-style: chr7-150671846-A-G.
Other names: c.260T>C (LRG_288t1); c.83T>C, p.Leu28Pro (NM_001406755.1); c.260T>C, p.Leu87Pro (NM_172056.3); short protein forms L87P, L28P.
Identifiers: ClinVar variation 67418 (VCV000067418.6), dbSNP rs199473495, ClinGen allele CA007042.